The following is an entry in ClinVar:

NM_018089.3(ANKZF1):c.956C>T (p.Pro319Leu)

Gene: ANKZF1 (ankyrin repeat and zinc finger peptidyl tRNA hydrolase 1; plus strand). Cytogenetic location: 2q35.
Variant type: single nucleotide variant.
Coding change: c.956C>T on transcript NM_018089.3 (MANE Select); coding-DNA position 956, C replaced by T.
Protein change: p.Pro319Leu; replaces proline 319 with leucine.
Molecular consequence: missense variant.
Genome position (GRCh38, 1-based): chr2:219,233,851, C>T. VCF-style: chr2-219233851-C-T. GRCh37 (hg19) VCF-style: chr2-220098573-C-T.
Other names: c.956C>T, p.Pro319Leu (NM_001042410.2); c.326C>T, p.Pro109Leu (NM_001282792.2); short protein forms P109L, P319L.
Identifiers: ClinVar variation 1007532 (VCV001007532.8), dbSNP rs1426680504, ClinGen allele CA350677719.

ClinVar aggregate classification (germline): Uncertain significance (1 of 4 stars; one submission).

Allele frequency attached by ClinVar (database versions not stated): gnomAD exomes below 0.00001.

Submission:

Labcorp Genetics (formerly Invitae), Labcorp
Classification: Uncertain significance. Last evaluated: 2024-07-01. Review status: criteria provided, single submitter. Criteria: Invitae Variant Classification Sherloc (09022015). Collection method: clinical testing. Allele origin: germline.
Comment: This sequence change replaces proline, which is neutral and non-polar, with leucine, which is neutral and non-polar, at codon 319 of the ANKZF1 protein (p.Pro319Leu). This variant is present in population databases (no rsID available, gnomAD 0.0009%). This variant has not been reported in the literature in individuals affected with ANKZF1-related conditions. ClinVar contains an entry for this variant (Variation ID: 1007532). An algorithm developed to predict the effect of missense changes on protein structure and function (PolyPhen-2) suggests that this variant is likely to be tolerated. In summary, the available evidence is currently insufficient to determine the role of this variant in disease. Therefore, it has been classified as a Variant of Uncertain Significance.